The following is an entry in ClinVar:

ClinVar aggregate classification (germline): Uncertain significance (1 of 4 stars; one submission).

Allele frequency attached by ClinVar (database versions not stated): TOPMed below 0.00001.
gnomAD v4.1: 9 of 1,613,520 alleles (0.00056%); highest among the groups gnomAD compares: Non-Finnish European, 0.00059%; no homozygotes.

Submission:

Labcorp Genetics (formerly Invitae), Labcorp
Classification: Uncertain significance. Last evaluated: 2022-08-27. Review status: criteria provided, single submitter. Criteria: Invitae Variant Classification Sherloc (09022015). Collection method: clinical testing. Allele origin: germline.
Comment: In summary, the available evidence is currently insufficient to determine the role of this variant in disease. Therefore, it has been classified as a Variant of Uncertain Significance. Algorithms developed to predict the effect of missense changes on protein structure and function output the following: SIFT: "Tolerated"; PolyPhen-2: "Benign"; Align-GVGD: "Class C0". The serine amino acid residue is found in multiple mammalian species, which suggests that this missense change does not adversely affect protein function. This variant has not been reported in the literature in individuals affected with ZNF408-related conditions. This variant is not present in population databases (gnomAD no frequency). This sequence change replaces proline, which is neutral and non-polar, with serine, which is neutral and polar, at codon 669 of the ZNF408 protein (p.Pro669Ser).

NM_024741.3(ZNF408):c.2005C>T (p.Pro669Ser)

Gene: ZNF408 (zinc finger protein 408; plus strand). Cytogenetic location: 11p11.2.
Variant type: single nucleotide variant.
Coding change: c.2005C>T on transcript NM_024741.3 (MANE Select); coding-DNA position 2005, C replaced by T.
Protein change: p.Pro669Ser; replaces proline 669 with serine.
Molecular consequence: missense variant.
Genome position (GRCh38, 1-based): chr11:46,705,705, C>T. VCF-style: chr11-46705705-C-T. GRCh37 (hg19) VCF-style: chr11-46727255-C-T.
Other names: c.1981C>T, p.Pro661Ser (NM_001184751.2); short protein forms P661S, P669S.
Identifiers: ClinVar variation 1970895 (VCV001970895.5), dbSNP rs2064747518, ClinGen allele CA380257985.